The following is an entry in ClinVar:

ClinVar aggregate classification (germline): Uncertain significance (1 of 4 stars; one submission).

Allele frequency attached by ClinVar (database versions not stated): gnomAD exomes below 0.00001; TOPMed 0.00002; ExAC 0.00001; gnomAD 0.00001; ESP Exome Variant Server 0.00008.
gnomAD v4.1: 4 of 1,613,830 alleles (0.00025%); highest among the groups gnomAD compares: African/African-American, 0.004%; no homozygotes.

Submission:

Labcorp Genetics (formerly Invitae), Labcorp
Classification: Uncertain significance. Last evaluated: 2022-06-27. Review status: criteria provided, single submitter. Criteria: Invitae Variant Classification Sherloc (09022015). Collection method: clinical testing. Allele origin: germline.
Comment: This sequence change replaces isoleucine, which is neutral and non-polar, with valine, which is neutral and non-polar, at codon 456 of the TUB protein (p.Ile456Val). This variant is not present in population databases (gnomAD no frequency). This variant has not been reported in the literature in individuals affected with TUB-related conditions. ClinVar contains an entry for this variant (Variation ID: 1023467). Algorithms developed to predict the effect of missense changes on protein structure and function are either unavailable or do not agree on the potential impact of this missense change (SIFT: "Tolerated"; PolyPhen-2: "Possibly Damaging"; Align-GVGD: "Class C0"). In summary, the available evidence is currently insufficient to determine the role of this variant in disease. Therefore, it has been classified as a Variant of Uncertain Significance.

NM_177972.3(TUB):c.1201A>G (p.Ile401Val)

Genes: RIC3 (RIC3 acetylcholine receptor chaperone; minus strand), TUB (TUB bipartite transcription factor; plus strand). Cytogenetic location: 11p15.4.
Variant type: single nucleotide variant.
Coding change: c.1201A>G on transcript NM_177972.3 (MANE Select); coding-DNA position 1201, A replaced by G.
Protein change: p.Ile401Val; replaces isoleucine 401 with valine.
Molecular consequence: missense variant.
Genome position (GRCh38, 1-based): chr11:8,100,587, A>G. VCF-style: chr11-8100587-A-G. GRCh37 (hg19) VCF-style: chr11-8122134-A-G.
Other names: c.1366A>G, p.Ile456Val (NM_003320.5); short protein forms I401V, I456V.
Identifiers: ClinVar variation 1023467 (VCV001023467.7), dbSNP rs149675851, ClinGen allele CA5871393.